The following is an entry in ClinVar:

NM_007186.6(CEP250):c.1209+1G>A

Genes: CEP250-AS1 (CEP250 antisense RNA 1; minus strand), CEP250 (centrosomal protein 250; plus strand). Cytogenetic location: 20q11.22.
Variant type: single nucleotide variant.
Coding change: c.1209+1G>A on transcript NM_007186.6 (MANE Select); the canonical splice donor site of the intron after coding-DNA position 1209, G replaced by A.
Molecular consequence: splice donor variant. On other transcripts: non-coding transcript variant (7).
Genome position (GRCh38, 1-based): chr20:35,472,832, G>A. VCF-style: chr20-35472832-G-A. GRCh37 (hg19) VCF-style: chr20-34060657-G-A.
Other names: c.-691+1G>A (NM_001318219.1).
Identifiers: ClinVar variation 2110425 (VCV002110425.4), dbSNP rs1482623513, ClinGen allele CA408759816.

ClinVar aggregate classification (germline): Likely pathogenic (1 of 4 stars; one submission).

Allele frequency attached by ClinVar (database versions not stated): gnomAD exomes below 0.00001.
gnomAD v4.1: 5 of 1,613,998 alleles (0.00031%); highest among the groups gnomAD compares: Non-Finnish European, 0.00042%; no homozygotes.

Submission:

Labcorp Genetics (formerly Invitae), Labcorp
Classification: Likely pathogenic. Last evaluated: 2025-12-01. Review status: criteria provided, single submitter. Criteria: Invitae Variant Classification Sherloc (09022015). Collection method: clinical testing. Allele origin: germline.
Comment: This sequence change affects a donor splice site in intron 12 of the CEP250 gene. It is expected to disrupt RNA splicing. Variants that disrupt the donor or acceptor splice site typically lead to a loss of protein function (PMID: 16199547), and loss-of-function variants in CEP250 are known to be pathogenic (PMID: 24780881, 29718797). This variant is not present in population databases (gnomAD no frequency). This variant has not been reported in the literature in individuals affected with CEP250-related conditions. ClinVar contains an entry for this variant (Variation ID: 2110425). Algorithms developed to predict the effect of sequence changes on RNA splicing suggest that this variant may disrupt the consensus splice site. In summary, the currently available evidence indicates that the variant is pathogenic, but additional data are needed to prove that conclusively. Therefore, this variant has been classified as Likely Pathogenic.

Literature cited by the submitters: PubMed 16199547; PubMed 24780881; PubMed 29718797.